The following is an entry in ClinVar:

ClinVar aggregate classification (germline): Pathogenic/Likely pathogenic. Review status: criteria provided, multiple submitters, no conflicts (2 of 4 stars). 12 submissions from 12 submitters: Pathogenic (10); Likely pathogenic (1). 1 of the submissions does not count toward it. Last evaluated 2026-01-18.

Conditions:
Adult hypophosphatasia. Identifiers: Orphanet 247676, Orphanet 436, MedGen C0268413, MONDO:1010154, OMIM 146300, MONDO:0007798.
Childhood hypophosphatasia. Identifiers: Orphanet 247667, Orphanet 436, MedGen C0220743, MONDO:1010168, OMIM 241510, MONDO:0009428.
Infantile hypophosphatasia. Identifiers: Orphanet 247651, Orphanet 436, MedGen C0268412, MONDO:1010169, OMIM 241500, MONDO:0009427.
Hypophosphatasia. Also called: Phosphoethanol-aminuria. Identifiers: Orphanet 436, MedGen C0020630, MeSH D007014, MONDO:0018570.
ALPL-related disorder. Also called: ALPL-related disorders; ALPL-related condition.

Allele frequency attached by ClinVar (database versions not stated): gnomAD 0.00001; TOPMed 0.00001; ExAC 0.00002; gnomAD exomes 0.00002.
gnomAD v4.1: 37 of 1,613,922 alleles (0.0023%); highest among the groups gnomAD compares: Non-Finnish European, 0.0028%; no homozygotes.

Submissions (12):

Labcorp Genetics (formerly Invitae), Labcorp
Classification: Pathogenic. Last evaluated: 2026-01-18. Review status: criteria provided, single submitter. Criteria: Invitae Variant Classification Sherloc (09022015). Collection method: clinical testing. Allele origin: germline.
Comment: This sequence change replaces arginine, which is basic and polar, with glutamine, which is neutral and polar, at codon 223 of the ALPL protein (p.Arg223Gln). This variant is present in population databases (rs199665722, gnomAD 0.003%). This missense change has been observed in individual(s) with hypophosphatasia (PMID: 11855933, 15694177, 24100244). This variant is also known as p.Arg206Gln. ClinVar contains an entry for this variant (Variation ID: 381586). Invitae Evidence Modeling of protein sequence and biophysical properties (such as structural, functional, and spatial information, amino acid conservation, physicochemical variation, residue mobility, and thermodynamic stability) indicates that this missense variant is expected to disrupt ALPL protein function with a positive predictive value of 95%. Experimental studies have shown that this missense change affects ALPL function (PMID: 15694177, 23509830). For these reasons, this variant has been classified as Pathogenic.

OLLIN Analises Genomicas, OLLIN
Classification: Pathogenic for Infantile hypophosphatasia. Last evaluated: 2025-10-21. Review status: criteria provided, single submitter. Criteria: ACMG Guidelines 2015 PMID 25741868. Collection method: clinical testing. Allele origin: germline. Affected: yes. Observed: 1 variant allele.
Comment: The missense variant (chr1:21568123G>A), located in exon 7 (of 12), is reported in ClinVar (VCV000381586.31), in gnomAD v4.1 non-UKB with an allele frequency of 0.0012%, and in the scientific literature, in simple and compound heterozygosity, in individuals with infantile and adult hypophosphatasia (PMID: 15694177, 23509830, 32762706, 24276437, 11855933, 15660230, 9781036). Functional studies suggest that this variant affects protein function (PMID: 15694177, 23509830) and in silico analysis predicts that it has a deleterious effect. This gene shows low tolerance to missense variantion, and there is another reported pathogenic variant that alters this same residue to another amino acid (PMID: 9781036, ClinVar ID:VCV000189001.22, c.667C>T p.Arg223Trp). According to the currently available evidence, this variant has been classified as pathogenic (PS3_P, PM2_P, PM3_S, PM5, PP2, PP3_S).

Natera, Inc.
Classification: Pathogenic for Hypophosphatasia. Last evaluated: 2025-09-26. Review status: criteria provided, single submitter. Criteria: Natera Variant Classification Schema (03/2026). Collection method: clinical testing. Allele origin: germline.
Comment: The c.668G>A variant in ALPL is a missense variant predicted to cause substitution of arginine to glutamine at amino acid 223. This variant is rare in the general population with a frequency below the threshold expected for the associated phenotype(s). This variant has been observed in one or more individuals affected with the associated recessive disease, as either homozygous or compound heterozygous with a second variant (PMID: 15660230, 20924064). Given the available evidence, this variant is classified as Pathogenic.

Genomenon, Inc
Classification: Pathogenic for Hypophosphatasia. Last evaluated: 2025-08-29. Review status: criteria provided, single submitter. Criteria: Genomenon Sequence Variant Interpretation Standards. Collection method: curation. Allele origin: germline. Affected: yes.
Comment: ALPL c.668G>A is a missense variant that changes the amino acid at residue 223 from Arginine to Glutamine. This variant has been observed in at least one proband affected with hypophosphatasia (PMID:37600704;8675582;11855933;32973344;30293248;20924064;15660230;18925618;24276437;32762706;33827627;15694177). At least one functional study has demonstrated a substantial alteration in protein function relative to the wild-type (PMID:23509830;32160374). This variant has been described as Arg206Gln in the literature. It is absent or not present at a significant frequency in gnomAD. In silico models agree that this variant is possibly or probably damaging. In conclusion, we classify ALPL p.Arg223Gln (c.668G>A) as a pathogenic variant.

3billion
Classification: Likely pathogenic for ALPL-related disorder. Last evaluated: 2025-04-15. Review status: criteria provided, single submitter. Criteria: ACMG Guidelines, 2015. Collection method: clinical testing. Allele origin: germline. Affected: yes.

GeneDx
Classification: Pathogenic. Last evaluated: 2024-11-11. Review status: criteria provided, single submitter. Criteria: GeneDx Variant Classification Process June 2021. Collection method: clinical testing. Allele origin: germline. Affected: yes.
Comment: Previously reported (as R206Q or c.668G>A due to the use of alternative nomenclature) in association with autosomal recessive hypophosphatasia (PMID: 11855933, 20924064); Reported previously as a de novo variant in a patient with infantile hypophosphatasia who also harbored a second maternally inherited variant; variants were assumed to be compound heterozygous (PMID: 33827627); In silico analysis supports that this missense variant has a deleterious effect on protein structure/function; Not observed at significant frequency in large population cohorts (gnomAD); This variant is associated with the following publications: (PMID: 34662886, 15660230, 20924064, 31793067, 24100244, 15694177, 18925618, 24276437, 31754721, 30293248, 34673643, Jeon_2022_Abstract, 32160374, 37600704, 29236161, 11855933, 23509830, 33827627)

Fulgent Genetics
Classification: Pathogenic for Adult hypophosphatasia; Infantile hypophosphatasia; Childhood hypophosphatasia. Last evaluated: 2024-04-29. Review status: criteria provided, single submitter. Criteria: ACMG Guidelines, 2015. Collection method: clinical testing. Allele origin: germline.

Baylor Genetics
Classification: Pathogenic for Adult hypophosphatasia. Last evaluated: 2024-03-05. Review status: criteria provided, single submitter. Criteria: ACMG Guidelines, 2015. Collection method: clinical testing. Allele origin: unknown.

Blueprint Genetics
Classification: Pathogenic for ALPL-related disorders. Last evaluated: 2021-05-26. Review status: criteria provided, single submitter. Criteria: ACMG Guidelines, 2015. Collection method: clinical testing. Allele origin: germline. Affected: yes. Observed: 1 variant allele.

ARUP Laboratories, Molecular Genetics and Genomics, ARUP Laboratories
Classification: Pathogenic. Last evaluated: 2020-03-03. Review status: criteria provided, single submitter. Criteria: ARUP Molecular Germline Variant Investigation Process. Collection method: clinical testing. Allele origin: germline.
Comment: The ALPL variant c.668G>A; p.Arg223Gln (rs552831415), also known as R206Q, is reported in the literature in the compound heterozygous state in multiple individuals affected with hypophosphatasia (de Roo 204, Liu 2010, Michigami 2005, Mumm 2002, Simon-Bouy 2008, Taketani 2014). This variant is reported in ClinVar (Variation ID: 381586), and is only observed on four alleles in the Genome Aggregation Database, indicating it is not a common polymorphism. The arginine at codon 223 is highly conserved, and computational analyses (SIFT, PolyPhen-2) predict that this variant is deleterious. In vitro functional analyses of the variant protein demonstrate a significant decrease in function (Zhu 2012). Based on available information, this variant is considered to be pathogenic. References: de Roo MGA et al. Infantile hypophosphatasia without bone deformities presenting with severe pyridoxine-resistant seizures. Mol Genet Metab. 2014 Mar;111(3):404-407. Liu H et al. Genetic etiology and dental pulp cell deficiency of hypophosphatasia. J Dent Res. 2010 Dec;89(12):1373-7. Michigami T et al. Common mutations F310L and T1559del in the tissue-nonspecific alkaline phosphatase gene are related to distinct phenotypes in Japanese patients with hypophosphatasia. Eur J Pediatr. 2005 May;164(5):277-82. Mumm S et al. Denaturing gradient gel electrophoresis analysis of the tissue nonspecific alkaline phosphatase isoenzyme gene in hypophosphatasia. Mol Genet Metab. 2002 Feb;75(2):143-53. Simon-Bouy B et al. Hypophosphatasia: molecular testing of 19 prenatal cases and discussion about genetic counseling. Prenat Diagn. 2008 Nov;28(11):993-8. Taketani T et al. Clinical and genetic aspects of hypophosphatasia in Japanese patients. Arch Dis Child. 2014 Mar;99(3):211-5. Zhu T et al. Functional evaluation of mutations in the tissue-nonspecific alkaline phosphatase gene. Chin J Dent Res. 2012;15(2):99-104.

Juno Genomics, Hangzhou Juno Genomics, Inc
Classification: Pathogenic for Adult hypophosphatasia; Childhood hypophosphatasia; Infantile hypophosphatasia. Review status: criteria provided, single submitter. Criteria: ACMG Guidelines, 2015. Collection method: clinical testing. Allele origin: germline.
Comment: Absent from controls (or at extremely low frequency if recessive) in Genome Aggregation Database.;Well-established in vitro or in vivo functional studies supportive of a damaging effect on the gene or gene product.;For recessive disorders, detected in trans with a pathogenic variant.;Patient's phenotype or family history is highly specific for a disease with a single genetic etiology.

Counsyl
Classification: Likely pathogenic for Infantile hypophosphatasia. Last evaluated: 2018-11-01. Review status: no assertion criteria provided. Collection method: clinical testing. Allele origin: unknown. Not counted in ClinVar's aggregate classification.

Literature cited by the submitters: PubMed 11855933 (cited by 5 submitters); PubMed 15694177 (cited by 3 submitters); PubMed 24100244 (cited by Labcorp Genetics (formerly Invitae), Labcorp and Counsyl); PubMed 23509830 (cited by 4 submitters); PubMed 32762706 (cited by OLLIN Analises Genomicas, OLLIN and Genomenon, Inc); PubMed 24276437 (cited by 3 submitters); PubMed 15660230 (cited by 4 submitters); PubMed 9781036 (cited by OLLIN Analises Genomicas, OLLIN and 3billion); PubMed 20924064 (cited by 3 submitters); PubMed 37600704 (cited by Genomenon, Inc); PubMed 8675582 (cited by Genomenon, Inc); PubMed 32973344 (cited by Genomenon, Inc); PubMed 30293248 (cited by Genomenon, Inc); PubMed 18925618 (cited by Genomenon, Inc and Counsyl); PubMed 33827627 (cited by Genomenon, Inc); PubMed 32160374 (cited by Genomenon, Inc).

NM_000478.6(ALPL):c.668G>A (p.Arg223Gln)

Gene: ALPL (alkaline phosphatase, biomineralization associated; plus strand). Cytogenetic location: 1p36.12.
Variant type: single nucleotide variant.
Coding change: c.668G>A on transcript NM_000478.6 (MANE Select); coding-DNA position 668, G replaced by A.
Protein change: p.Arg223Gln; replaces arginine 223 with glutamine.
Molecular consequence: missense variant.
Genome position (GRCh38, 1-based): chr1:21,568,123, G>A. VCF-style: chr1-21568123-G-A. GRCh37 (hg19) VCF-style: chr1-21894616-G-A.
Other names: c.503G>A, p.Arg168Gln (NM_001127501.4); c.437G>A, p.Arg146Gln (NM_001177520.3); c.668G>A, p.Arg223Gln (NM_001369803.2, NM_001369804.2, NM_001369805.2); short protein forms R223Q, R168Q, R146Q.
Identifiers: ClinVar variation 381586 (VCV000381586.36), dbSNP rs199665722, ClinGen allele CA666577.